The following is an entry in ClinVar:

ClinVar aggregate classification (germline): Uncertain significance. Review status: criteria provided, multiple submitters, no conflicts (2 of 4 stars). 2 submissions from 2 submitters: Uncertain significance (2). Last evaluated 2024-01-26.

Conditions:
Pancreatic adenocarcinoma. Identifiers: MedGen C0281361, MONDO:0006047, HP:0006725.

Allele frequency attached by ClinVar (database versions not stated): ExAC 0.00001; gnomAD 0.00001; gnomAD exomes 0.00001; TOPMed 0.00002.
gnomAD v4.1: 20 of 1,610,218 alleles (0.0012%); highest among the groups gnomAD compares: South Asian, 0.0066%; no homozygotes.

Submissions (2):

Ambry Genetics
Classification: Uncertain significance. Last evaluated: 2024-01-26. Review status: criteria provided, single submitter. Criteria: Ambry Variant Classification Scheme 2023. Collection method: clinical testing. Allele origin: germline.
Comment: The p.S955G variant (also known as c.2863A>G), located in coding exon 16 of the PALLD gene, results from an A to G substitution at nucleotide position 2863. The serine at codon 955 is replaced by glycine, an amino acid with similar properties. This amino acid position is conserved. In addition, this alteration is predicted to be tolerated by in silico analysis. Since supporting evidence is limited at this time, the clinical significance of this alteration remains unclear.

Labcorp Genetics (formerly Invitae), Labcorp
Classification: Uncertain significance for Pancreatic adenocarcinoma. Last evaluated: 2021-10-25. Review status: criteria provided, single submitter. Criteria: Invitae Variant Classification Sherloc (09022015). Collection method: clinical testing. Allele origin: germline.
Comment: In summary, the available evidence is currently insufficient to determine the role of this variant in disease. Therefore, it has been classified as a Variant of Uncertain Significance. Algorithms developed to predict the effect of missense changes on protein structure and function (SIFT, PolyPhen-2, Align-GVGD) all suggest that this variant is likely to be disruptive. This variant has not been reported in the literature in individuals affected with PALLD-related conditions. This variant is present in population databases (rs774568391, ExAC 0.007%). This sequence change replaces serine with glycine at codon 468 of the PALLD protein (p.Ser468Gly). The serine residue is highly conserved and there is a small physicochemical difference between serine and glycine.

NM_001166108.2(PALLD):c.2914A>G (p.Ser972Gly)

Genes: CBR4 (carbonyl reductase 4; minus strand), PALLD (palladin, cytoskeletal associated protein; plus strand). Cytogenetic location: 4q32.3.
Variant type: single nucleotide variant.
Coding change: c.2914A>G on transcript NM_001166108.2 (MANE Select); coding-DNA position 2914, A replaced by G.
Protein change: p.Ser972Gly; replaces serine 972 with glycine.
Molecular consequence: missense variant.
Genome position (GRCh38, 1-based): chr4:168,921,597, A>G. VCF-style: chr4-168921597-A-G. GRCh37 (hg19) VCF-style: chr4-169842748-A-G.
Other names: c.1717A>G, p.Ser573Gly (NM_001166109.2); c.1402A>G, p.Ser468Gly (NM_001166110.2); c.742A>G, p.Ser248Gly (NM_001367567.1, NM_001367569.1); c.793A>G, p.Ser265Gly (NM_001367568.1, NM_001367570.1); c.2863A>G, p.Ser955Gly (NM_016081.4); short protein forms S248G, S265G, S468G, S573G, S955G, S972G.
Identifiers: ClinVar variation 1007249 (VCV001007249.9), dbSNP rs774568391, ClinGen allele CA3135991.
Genomic context (GRCh38, chr4:168,921,597, plus strand): 5'-AGTGGGTTACCAACCCCAGATCTAAGCTGGCAACTAGATGGAAAGCCCGTACGCCCTGAC[A>G]GTGCTCACAAGATGCTGGTGCGTGAGAACGGGGTGCACTCTCTGATCATAGAGCCAGTCA-3'
Protein context (NP_001159580.1, residues 962-982): QLDGKPVRPD[Ser972Gly]AHKMLVRENG